The following is an entry in ClinVar:

ClinVar aggregate classification (germline): Likely benign. Review status: criteria provided, multiple submitters, no conflicts (2 of 4 stars). 4 submissions from 4 submitters: Likely benign (3). 1 of the submissions does not count toward it. Last evaluated 2023-09-01.

Conditions:
PLCE1-related disorder. Also called: PLCE1-related condition.
Nephrotic syndrome, type 3 (NPHS3). Also called: NEPHROTIC SYNDROME, EARLY-ONSET, TYPE 3. Identifiers: Orphanet 656, MedGen C1853124, MONDO:0012546, OMIM 610725.

Allele frequency attached by ClinVar (database versions not stated): gnomAD 0.00010 and 0.00015; gnomAD exomes 0.00014 and 0.00036; TOPMed 0.00028; ExAC 0.00041; 1000 Genomes Project 0.00060; 1000 Genomes Project 30x 0.00078.
gnomAD v4.1: 228 of 1,613,764 alleles (0.014%); highest among the groups gnomAD compares: East Asian, 0.5%; no homozygotes.

Submissions (4):

Labcorp Genetics (formerly Invitae), Labcorp
Classification: Likely benign. Last evaluated: 2023-09-01. Review status: criteria provided, single submitter. Criteria: Invitae Variant Classification Sherloc (09022015). Collection method: clinical testing. Allele origin: germline.

Fulgent Genetics
Classification: Likely benign for Nephrotic syndrome, type 3. Last evaluated: 2021-11-18. Review status: criteria provided, single submitter. Criteria: ACMG Guidelines, 2015. Collection method: clinical testing. Allele origin: unknown.

Illumina Laboratory Services, Illumina
Classification: Likely benign for Nephrotic syndrome, type 3. Last evaluated: 2018-01-12. Review status: criteria provided, single submitter. Criteria: ICSL Variant Classification Criteria 13 December 2019. Collection method: clinical testing. Allele origin: germline.
Comment: This variant was observed in the ICSL laboratory as part of a predisposition screen in an ostensibly healthy population. It had not been previously curated by ICSL or reported in the Human Gene Mutation Database (HGMD: prior to June 1st, 2018), and was therefore a candidate for classification through an automated scoring system. Utilizing variant allele frequency, disease prevalence and penetrance estimates, and inheritance mode, an automated score was calculated to assess if this variant is too frequent to cause the disease. Based on the score and internal cut-off values, a variant classified as likely benign is not then subjected to further curation. The score for this variant resulted in a classification of likely benign for this disease.

PreventionGenetics, part of Exact Sciences
Classification: Likely benign for PLCE1-related condition. Last evaluated: 2021-04-29. Review status: no assertion criteria provided. Collection method: clinical testing. Allele origin: germline. Not counted in ClinVar's aggregate classification.
Comment: This variant is classified as likely benign based on ACMG/AMP sequence variant interpretation guidelines (Richards et al. 2015 PMID: 25741868, with internal and published modifications).

NM_016341.4(PLCE1):c.1313T>C (p.Val438Ala)

Gene: PLCE1 (phospholipase C epsilon 1; plus strand). Cytogenetic location: 10q23.33.
Variant type: single nucleotide variant.
Coding change: c.1313T>C on transcript NM_016341.4 (MANE Select); coding-DNA position 1313, T replaced by C.
Protein change: p.Val438Ala; replaces valine 438 with alanine.
Molecular consequence: missense variant.
Genome position (GRCh38, 1-based): chr10:94,132,280, T>C. VCF-style: chr10-94132280-T-C. GRCh37 (hg19) VCF-style: chr10-95892037-T-C.
Other names: c.389T>C, p.Val130Ala (NM_001165979.2); c.1313T>C, p.Val438Ala (NM_001288989.2); short protein forms V438A, V130A.
Identifiers: ClinVar variation 301694 (VCV000301694.11), dbSNP rs199689540, ClinGen allele CA5612343.